The following is an entry in ClinVar:

ClinVar aggregate classification (germline): Uncertain significance (1 of 4 stars; one submission).

Conditions:
Autosomal recessive limb-girdle muscular dystrophy type 2J (LGMDR10). Also called: Limb-girdle muscular dystrophy, type 2J; MUSCULAR DYSTROPHY, LIMB-GIRDLE, AUTOSOMAL RECESSIVE 10. Identifiers: Orphanet 140922, MedGen C1837342, MONDO:0012127, OMIM 608807.
Dilated cardiomyopathy 1G (CMD1G). Identifiers: Orphanet 154, MedGen C1858763, MONDO:0011400, OMIM 604145.

Submission:

Labcorp Genetics (formerly Invitae), Labcorp
Classification: Uncertain significance for Dilated cardiomyopathy 1G; Autosomal recessive limb-girdle muscular dystrophy type 2J. Last evaluated: 2026-01-28. Review status: criteria provided, single submitter. Criteria: Invitae Variant Classification Sherloc (09022015). Collection method: clinical testing. Allele origin: germline.
Comment: This sequence change replaces threonine, which is neutral and polar, with arginine, which is basic and polar, at codon 35773 of the TTN protein (p.Thr35773Arg). This variant is not present in population databases (gnomAD no frequency). This variant has not been reported in the literature in individuals affected with TTN-related conditions. Experimental studies and prediction algorithms are not available or were not evaluated, and the functional significance of this variant is currently unknown. This variant is located in the M band of TTN (PMID: 25589632). Non-truncating variants in this region may be relevant for neuromuscular disorders, but have not been definitively shown to cause cardiomyopathy (PMID: 23975875). In summary, the available evidence is currently insufficient to determine the role of this variant in disease. Therefore, it has been classified as a Variant of Uncertain Significance.

Literature cited by the submitters: PubMed 25589632; PubMed 23975875.

NM_001267550.2(TTN):c.107318C>G (p.Thr35773Arg)

Genes: TTN-AS1 (TTN antisense RNA 1; plus strand), TTN (titin; minus strand). Cytogenetic location: 2q31.2.
Variant type: single nucleotide variant.
Coding change: c.107318C>G on transcript NM_001267550.2 (MANE Select); coding-DNA position 107318, C replaced by G.
Protein change: p.Thr35773Arg; replaces threonine 35773 with arginine.
Molecular consequence: missense variant.
Genome position (GRCh38, 1-based): chr2:178,528,333, G>C on the plus strand (C>G on the coding strand, the complement: TTN is on the minus strand). VCF-style: chr2-178528333-G-C. GRCh37 (hg19) VCF-style: chr2-179393060-G-C.
Other names: c.102395C>G, p.Thr34132Arg (NM_001256850.1); c.80123C>G, p.Thr26708Arg (NM_003319.4); c.99614C>G, p.Thr33205Arg (NM_133378.4); c.80498C>G, p.Thr26833Arg (NM_133432.3); c.80699C>G, p.Thr26900Arg (NM_133437.4); short protein forms T34132R, T26833R, T33205R, T26708R, T26900R, T35773R.
Identifiers: ClinVar variation 4792257 (VCV004792257.1).